The following is an entry in ClinVar:

NM_014140.4(SMARCAL1):c.260A>G (p.His87Arg)

Gene: SMARCAL1 (SNF2 related chromatin remodeling annealing helicase 1; plus strand). Cytogenetic location: 2q35.
Variant type: single nucleotide variant.
Coding change: c.260A>G on transcript NM_014140.4 (MANE Select); coding-DNA position 260, A replaced by G.
Protein change: p.His87Arg; replaces histidine 87 with arginine.
Molecular consequence: missense variant.
Genome position (GRCh38, 1-based): chr2:216,414,964, A>G. VCF-style: chr2-216414964-A-G. GRCh37 (hg19) VCF-style: chr2-217279687-A-G.
Other names: c.260A>G, p.His87Arg (NM_001127207.2); short protein forms H87R.
Identifiers: ClinVar variation 4537615 (VCV004537615.2).

ClinVar aggregate classification (germline): Uncertain significance. Review status: criteria provided, multiple submitters, no conflicts (2 of 4 stars). 2 submissions from 2 submitters: Uncertain significance (2). Last evaluated 2026-05-06.

Conditions:
Inborn genetic diseases. Identifiers: MedGen C0950123, MeSH D030342.

Submissions (2):

Ambry Genetics
Classification: Uncertain significance for Inborn genetic diseases. Last evaluated: 2026-05-06. Review status: criteria provided, single submitter. Criteria: Ambry Variant Classification Scheme 2023. Collection method: clinical testing. Allele origin: germline.

GeneDx
Classification: Uncertain significance. Last evaluated: 2025-06-12. Review status: criteria provided, single submitter. Criteria: GeneDx Variant Classification Process June 2021. Collection method: clinical testing. Allele origin: germline. Affected: yes.
Comment: Not observed at significant frequency in large population cohorts (gnomAD); In silico analysis suggests that this missense variant does not alter protein structure/function; Has not been previously published as pathogenic or benign to our knowledge